The following is an entry in ClinVar:

ClinVar aggregate classification (germline): Uncertain significance. Review status: criteria provided, multiple submitters, no conflicts (2 of 4 stars). 2 submissions from 2 submitters: Uncertain significance (2). Last evaluated 2024-09-17.

Conditions:
Hypertrophic cardiomyopathy. Also called: HYPERTROPHIC MYOCARDIOPATHY. Identifiers: Orphanet 217569, MedGen C0007194, MeSH D002312, MONDO:0005045, HP:0001639.
Cardiovascular phenotype. Identifiers: MedGen CN230736.

Submissions (2):

Labcorp Genetics (formerly Invitae), Labcorp
Classification: Uncertain significance for Hypertrophic cardiomyopathy. Last evaluated: 2024-09-17. Review status: criteria provided, single submitter. Criteria: Invitae Variant Classification Sherloc (09022015). Collection method: clinical testing. Allele origin: germline.
Comment: This sequence change replaces phenylalanine, which is neutral and non-polar, with leucine, which is neutral and non-polar, at codon 252 of the MYH7 protein (p.Phe252Leu). This variant is not present in population databases (gnomAD no frequency). This missense change has been observed in individual(s) with left ventricular noncompaction (PMID: 18506004, 34540771). ClinVar contains an entry for this variant (Variation ID: 1759485). Invitae Evidence Modeling of protein sequence and biophysical properties (such as structural, functional, and spatial information, amino acid conservation, physicochemical variation, residue mobility, and thermodynamic stability) indicates that this missense variant is expected to disrupt MYH7 protein function with a positive predictive value of 95%. This variant disrupts the p.Phe252 amino acid residue in MYH7. Other variant(s) that disrupt this residue have been determined to be pathogenic (PMID: 28356264). This suggests that this residue is clinically significant, and that variants that disrupt this residue are likely to be disease-causing. In summary, the available evidence is currently insufficient to determine the role of this variant in disease. Therefore, it has been classified as a Variant of Uncertain Significance.

Ambry Genetics
Classification: Uncertain significance for Cardiovascular phenotype. Last evaluated: 2021-11-08. Review status: criteria provided, single submitter. Criteria: Ambry Variant Classification Scheme 2023. Collection method: clinical testing. Allele origin: germline.
Comment: The p.F252L variant (also known as c.754T>C), located in coding exon 7 of the MYH7 gene, results from a T to C substitution at nucleotide position 754. The phenylalanine at codon 252 is replaced by leucine, an amino acid with highly similar properties. This alteration is located in the myosin head domain, which contains a statistically significant clustering of pathogenic missense variants (Homburger JR et al. Proc Natl Acad Sci U S A, 2016 06;113:6701-6; Walsh R et al. Genet Med, 2017 02;19:192-203; Ambry internal data). This variant has been detected in an individual with noncompaction cardiomyopathy, heart failure, and arrhythmia (Klaassen S et al. Circulation, 2008 Jun;117:2893-901). This amino acid position is highly conserved in available vertebrate species. In addition, this alteration is predicted to be deleterious by in silico analysis. Since supporting evidence is limited at this time, the clinical significance of this alteration remains unclear.

Literature cited by the submitters: PubMed 18506004 (cited by Labcorp Genetics (formerly Invitae), Labcorp and Ambry Genetics); PubMed 34540771 (cited by Labcorp Genetics (formerly Invitae), Labcorp); PubMed 28356264 (cited by Labcorp Genetics (formerly Invitae), Labcorp).

NM_000257.4(MYH7):c.754T>C (p.Phe252Leu)

Gene: MYH7 (myosin heavy chain 7; minus strand). Cytogenetic location: 14q11.2.
Variant type: single nucleotide variant.
Coding change: c.754T>C on transcript NM_000257.4 (MANE Select); coding-DNA position 754, T replaced by C.
Protein change: p.Phe252Leu; replaces phenylalanine 252 with leucine.
Molecular consequence: missense variant.
Genome position (GRCh38, 1-based): chr14:23,431,460, A>G on the plus strand (T>C on the coding strand, the complement: MYH7 is on the minus strand). VCF-style: chr14-23431460-A-G. GRCh37 (hg19) VCF-style: chr14-23900669-A-G.
Other names: c.754T>C, p.Phe252Leu (NM_001407004.1); short protein forms F252L.
Identifiers: ClinVar variation 1759485 (VCV001759485.4), dbSNP rs2502312131, ClinGen allele CA389052120.